The following is an entry in ClinVar:

ClinVar aggregate classification (germline): Uncertain significance. Review status: criteria provided, multiple submitters, no conflicts (2 of 4 stars). 4 submissions from 4 submitters: Uncertain significance (3). 1 of the submissions does not count toward it. Last evaluated 2026-01-16.

Conditions:
von Willebrand disease type 2 (VWD2). Also called: VWD, TYPE 2; VON WILLEBRAND DISEASE, TYPE 2A/IIE; VON WILLEBRAND DISEASE, TYPE 2CB; VON WILLEBRAND DISEASE, TYPE II. Identifiers: Orphanet 166081, Orphanet 903, MedGen C1264040, MONDO:0013304, OMIM 613554.
von Willebrand disease type 1 (VWD1). Also called: VWD, TYPE 1; VON WILLEBRAND DISEASE, TYPE I. Identifiers: Orphanet 166078, Orphanet 903, MedGen C1264039, MONDO:0008668, OMIM 193400. Inheritance: autosomal recessive or autosomal dominant.
von Willebrand disease type 3 (VWD3). Also called: Type 3 Von Willebrand's disease; Type 3 VWD; Von Willebrand disease, severe form; V WD3; VON WILLEBRAND DISEASE, TYPE III. Identifiers: Orphanet 166096, MedGen C1264041, MONDO:0010191, OMIM 277480.
Hereditary von Willebrand disease. Identifiers: Orphanet 903, MedGen C5703318, MONDO:0019565. Inheritance: Autosomal recessive or Autosomal dominant.

Allele frequency attached by ClinVar (database versions not stated): ExAC 0.00002; gnomAD exomes 0.00004 and 0.00008; gnomAD 0.00006; TOPMed 0.00008.
gnomAD v4.1: 120 of 1,613,478 alleles (0.0074%); highest among the groups gnomAD compares: African/African-American, 0.015%; no homozygotes.

Submissions (4):

Women's Health and Genetics/Laboratory Corporation of America, LabCorp
Classification: Uncertain significance. Last evaluated: 2026-01-16. Review status: criteria provided, single submitter. Criteria: LabCorp Variant Classification Summary - May 2015. Collection method: clinical testing. Allele origin: germline.
Comment: Variant summary: VWF c.7135C>T (p.Arg2379Cys) results in a non-conservative amino acid change in the encoded protein sequence. Algorithms developed to predict the effect of missense changes on protein structure and function are either unavailable or do not agree on the potential impact of this missense change. The variant allele was found at a frequency of 3.6e-05 in 251010 control chromosomes. The available data on variant occurrences in the general population are insufficient to allow any conclusion about variant significance. c.7135C>T has been observed with other co-occurring variants in individuals affected with Von Willebrand Disease and Hemolytic Uremic Syndrome without evidence of causality (James_2007, Downes_2019, Haydock_2022). These report(s) do not provide unequivocal conclusions about association of the variant with Von Willebrand Disease. To our knowledge, no experimental evidence demonstrating an impact on protein function has been reported. The following publications have been ascertained in the context of this evaluation (PMID: 31064749, 34714369, 17190853). ClinVar contains an entry for this variant (Variation ID: 100460). Based on the evidence outlined above, the variant was classified as uncertain significance.

Fulgent Genetics
Classification: Uncertain significance for von Willebrand disease type 1; von Willebrand disease type 3; von Willebrand disease type 2. Last evaluated: 2024-04-04. Review status: criteria provided, single submitter. Criteria: ACMG Guidelines, 2015. Collection method: clinical testing. Allele origin: germline.

NIHR Bioresource Rare Diseases, University of Cambridge
Classification: Uncertain significance for von Willebrand disorder. Last evaluated: 2019-02-01. Review status: criteria provided, single submitter. Criteria: ACMG Guidelines, 2015. Collection method: research. Allele origin: unknown. Affected: yes. Observed: 1 heterozygote. Study: ThromboGenomics.

Academic Unit of Haematology, University of Sheffield
No classification provided. Review status: no classification provided. Collection method: not provided. Allele origin: not provided. Not counted in ClinVar's aggregate classification.

Literature cited by the submitters: PubMed 31064749 (cited by Women's Health and Genetics/Laboratory Corporation of America, LabCorp and NIHR Bioresource Rare Diseases, University of Cambridge); PubMed 17190853 (cited by Women's Health and Genetics/Laboratory Corporation of America, LabCorp); PubMed 34714369 (cited by Women's Health and Genetics/Laboratory Corporation of America, LabCorp).

NM_000552.5(VWF):c.7135C>T (p.Arg2379Cys)

Gene: VWF (von Willebrand factor; minus strand). Cytogenetic location: 12p13.31.
Variant type: single nucleotide variant.
Coding change: c.7135C>T on transcript NM_000552.5 (MANE Select); coding-DNA position 7135, C replaced by T.
Protein change: p.Arg2379Cys; replaces arginine 2379 with cysteine.
Molecular consequence: missense variant.
Genome position (GRCh38, 1-based): chr12:5,981,938, G>A on the plus strand (C>T on the coding strand, the complement: VWF is on the minus strand). VCF-style: chr12-5981938-G-A. GRCh37 (hg19) VCF-style: chr12-6091104-G-A.
Other names: short protein forms R2379C.
Identifiers: ClinVar variation 100460 (VCV000100460.8), dbSNP rs61751283, ClinGen allele CA228775.